The following is an entry in ClinVar:

ClinVar aggregate classification (germline): Conflicting classifications of pathogenicity. Review status: criteria provided, conflicting classifications (1 of 4 stars). 6 submissions from 6 submitters: Uncertain significance (2); Likely benign (4). Last evaluated 2026-01-17.

Conditions:
Irido-corneo-trabecular dysgenesis (ASGD5). Also called: ANTERIOR SEGMENT DYSGENESIS 5. Identifiers: Orphanet 708, MedGen C0344559, MONDO:0011414, OMIM 604229, HP:0000659.
Anophthalmia-microphthalmia syndrome. Also called: Anophthalmia/Microphthalmia; Anophthalmia - microphthalmia. Identifiers: Orphanet 98555, MedGen C5680330, MONDO:0020147.

Allele frequency attached by ClinVar (database versions not stated): 1000 Genomes Project 0.00060; 1000 Genomes Project 30x 0.00062; ESP Exome Variant Server 0.00025; gnomAD exomes 0.00045 and 0.00051; gnomAD 0.00049 and 0.00052; TOPMed 0.00049; ExAC 0.00052.
gnomAD v4.1: 725 of 1,613,986 alleles (0.045%); highest among the groups gnomAD compares: South Asian, 0.11%; 2 homozygotes.

Submissions (6):

Labcorp Genetics (formerly Invitae), Labcorp
Classification: Likely benign. Last evaluated: 2026-01-17. Review status: criteria provided, single submitter. Criteria: Invitae Variant Classification Sherloc (09022015). Collection method: clinical testing. Allele origin: germline.

Women's Health and Genetics/Laboratory Corporation of America, LabCorp
Classification: Uncertain significance. Last evaluated: 2025-09-04. Review status: criteria provided, single submitter. Criteria: LabCorp Variant Classification Summary - May 2015. Collection method: clinical testing. Allele origin: germline.
Comment: Variant summary: FAT4 c.131A>C (p.Glu44Ala) results in a non-conservative amino acid change in the encoded protein sequence. Algorithms developed to predict the effect of missense changes on protein structure and function are either unavailable or do not agree on the potential impact of this missense change. The variant allele was found at a frequency of 0.00051 in 249212 control chromosomes. This frequency is not significantly higher than estimated for disease-causing variants in FAT4, allowing no conclusion about variant significance. c.131A>C has been observed in at least one individual with ocular developmental anomalies and in an individual with amyotrophic lateral sclerosis, without strong evidence of causality (example: Chassaing_2016, van Doormaal_2017). These report(s) do not provide unequivocal conclusions about association of the variant with FAT4-Related Disorders. To our knowledge, no experimental evidence demonstrating an impact on protein function has been reported. The following publications have been ascertained in the context of this evaluation (PMID: 26893459, 28714244). ClinVar contains an entry for this variant (Variation ID: 221921). Based on the evidence outlined above, the variant was classified as uncertain significance.

ARUP Laboratories, Molecular Genetics and Genomics, ARUP Laboratories
Classification: Likely benign. Last evaluated: 2025-07-03. Review status: criteria provided, single submitter. Criteria: ARUP Molecular Germline Variant Investigation Process 2024. Collection method: clinical testing. Allele origin: germline.

CeGaT Center for Human Genetics Tuebingen
Classification: Likely benign. Last evaluated: 2023-06-01. Review status: criteria provided, single submitter. Criteria: CeGaT Center For Human Genetics Tuebingen Variant Classification Criteria Version 2. Collection method: clinical testing. Allele origin: germline. Affected: yes. Observed: 1 variant allele.
Comment: FAT4: BP4

GeneDx
Classification: Uncertain significance. Last evaluated: 2022-02-02. Review status: criteria provided, single submitter. Criteria: GeneDx Variant Classification Process June 2021. Collection method: clinical testing. Allele origin: germline. Affected: yes.
Comment: Identified with a second variant in the FAT4 gene in addition to a variant in the DAB1 gene in a patient with ocular developmental anomalies in published literature (Chassaing et al., 2016); however, the variant was also seen in both asymptomatic parents and not believed to be the causative variant for that patient; In silico analysis, which includes protein predictors and evolutionary conservation, supports that this variant does not alter protein structure/function; This variant is associated with the following publications: (PMID: 26893459)

Paul Sabatier University EA-4555, Paul Sabatier University
Classification: Likely benign for Irido-corneo-trabecular dysgenesis. Last evaluated: 2013-01-01. Review status: criteria provided, single submitter. Criteria: Chassaing et al. (Genome Res. 2016). Collection method: clinical testing. Allele origin: inherited. Affected: yes. Observed: 1 heterozygote.

Literature cited by the submitters: PubMed 26893459 (cited by Women's Health and Genetics/Laboratory Corporation of America, LabCorp); PubMed 28714244 (cited by Women's Health and Genetics/Laboratory Corporation of America, LabCorp).

NM_001291303.3(FAT4):c.131A>C (p.Glu44Ala)

Gene: FAT4 (FAT atypical cadherin 4; plus strand). Cytogenetic location: 4q28.1.
Variant type: single nucleotide variant.
Coding change: c.131A>C on transcript NM_001291303.3 (MANE Select); coding-DNA position 131, A replaced by C.
Protein change: p.Glu44Ala; replaces glutamic acid 44 with alanine.
Molecular consequence: missense variant.
Genome position (GRCh38, 1-based): chr4:125,316,542, A>C. VCF-style: chr4-125316542-A-C. GRCh37 (hg19) VCF-style: chr4-126237697-A-C.
Other names: c.131A>C, p.Glu44Ala (NM_001291285.3, NM_024582.6); short protein forms E44A.
Identifiers: ClinVar variation 221921 (VCV000221921.36), dbSNP rs200221425, ClinGen allele CA071916.